The following is an entry in ClinVar:

NM_001458.5(FLNC):c.277C>T (p.Arg93Cys)

Gene: FLNC (filamin C; plus strand). Cytogenetic location: 7q32.1.
Variant type: single nucleotide variant.
Coding change: c.277C>T on transcript NM_001458.5 (MANE Select); coding-DNA position 277, C replaced by T.
Protein change: p.Arg93Cys; replaces arginine 93 with cysteine.
Molecular consequence: missense variant.
Genome position (GRCh38, 1-based): chr7:128,830,914, C>T. VCF-style: chr7-128830914-C-T. GRCh37 (hg19) VCF-style: chr7-128470968-C-T.
Other names: c.277C>T, p.Arg93Cys (NM_001127487.2); short protein forms R93C.
Identifiers: ClinVar variation 1510907 (VCV001510907.8), dbSNP rs762326127, ClinGen allele CA369216776.

ClinVar aggregate classification (germline): Uncertain significance (1 of 4 stars; one submission).

Conditions:
Myofibrillar myopathy 5. Also called: Filaminopathy (type); FILAMINOPATHY, AUTOSOMAL DOMINANT. Identifiers: Orphanet 171445, MedGen C1836050, MONDO:0012289, OMIM 609524.
Distal myopathy with posterior leg and anterior hand involvement. Also called: WILLIAMS DISTAL MYOPATHY. Identifiers: Orphanet 63273, MedGen C3279722, MONDO:0013550, OMIM 614065.
Hypertrophic cardiomyopathy 26. Also called: Cardiomyopathy, familial hypertrophic, 26. Identifiers: Orphanet 75249, MedGen C4310749, MONDO:0014883, OMIM 617047.

Submission:

Labcorp Genetics (formerly Invitae), Labcorp
Classification: Uncertain significance for Distal myopathy with posterior leg and anterior hand involvement; Myofibrillar myopathy 5; Hypertrophic cardiomyopathy 26. Last evaluated: 2024-04-05. Review status: criteria provided, single submitter. Criteria: Invitae Variant Classification Sherloc (09022015). Collection method: clinical testing. Allele origin: germline.
Comment: This sequence change replaces arginine, which is basic and polar, with cysteine, which is neutral and slightly polar, at codon 93 of the FLNC protein (p.Arg93Cys). This variant is not present in population databases (gnomAD no frequency). This variant has not been reported in the literature in individuals affected with FLNC-related conditions. ClinVar contains an entry for this variant (Variation ID: 1510907). Advanced modeling of protein sequence and biophysical properties (such as structural, functional, and spatial information, amino acid conservation, physicochemical variation, residue mobility, and thermodynamic stability) has been performed at Invitae for this missense variant, however the output from this modeling did not meet the statistical confidence thresholds required to predict the impact of this variant on FLNC protein function. In summary, the available evidence is currently insufficient to determine the role of this variant in disease. Therefore, it has been classified as a Variant of Uncertain Significance.